The following is an entry in ClinVar:

ClinVar aggregate classification (germline): Uncertain significance. Review status: criteria provided, multiple submitters, no conflicts (2 of 4 stars). 4 submissions from 4 submitters: Uncertain significance (4). Last evaluated 2026-04-09.

Conditions:
MRTFA-related disorder. Also called: MRTFA-related condition.

Allele frequency attached by ClinVar (database versions not stated): gnomAD 0.00008 and 0.00012; TOPMed 0.00008.
gnomAD v4.1: 303 of 1,611,702 alleles (0.019%); highest among the groups gnomAD compares: South Asian, 0.12%; 2 homozygotes.

Submissions (4):

PreventionGenetics, part of Exact Sciences
Classification: Uncertain significance for MRTFA-related condition. Last evaluated: 2026-04-09. Review status: criteria provided, single submitter. Criteria: ACMG Guidelines, 2015. Collection method: clinical testing. Allele origin: germline.
Comment: The MRTFA c.1603G>A variant is predicted to result in the amino acid substitution p.Glu535Lys. To our knowledge, this variant has not been reported in the literature. This variant is reported in 0.092% of alleles in individuals of South Asian descent in gnomAD. Although we suspect that this variant may be benign, at this time, the clinical significance of this variant is uncertain due to the absence of conclusive functional and genetic evidence.

Labcorp Genetics (formerly Invitae), Labcorp
Classification: Uncertain significance. Last evaluated: 2026-01-12. Review status: criteria provided, single submitter. Criteria: Invitae Variant Classification Sherloc (09022015). Collection method: clinical testing. Allele origin: germline.
Comment: This sequence change replaces glutamic acid, which is acidic and polar, with lysine, which is basic and polar, at codon 535 of the MKL1 protein (p.Glu535Lys). This variant is present in population databases (rs751069863, gnomAD 0.09%), and has an allele count higher than expected for a pathogenic variant. This variant has not been reported in the literature in individuals affected with MKL1-related conditions. ClinVar contains an entry for this variant (Variation ID: 1683020). An algorithm developed to predict the effect of missense changes on protein structure and function (PolyPhen-2) suggests that this variant is likely to be disruptive. In summary, the available evidence is currently insufficient to determine the role of this variant in disease. Therefore, it has been classified as a Variant of Uncertain Significance.

Ambry Genetics
Classification: Uncertain significance. Last evaluated: 2022-12-05. Review status: criteria provided, single submitter. Criteria: Ambry Variant Classification Scheme 2023. Collection method: clinical testing. Allele origin: germline.

Breakthrough Genomics
Classification: Uncertain significance. Review status: criteria provided, single submitter. Criteria: ACMG Guidelines, 2015. Collection method: not provided. Allele origin: germline. Inheritance: Autosomal dominant inheritance. Affected: yes.

NM_020831.6(MRTFA):c.1903G>A (p.Glu635Lys)

Gene: MRTFA (myocardin related transcription factor A; minus strand). Cytogenetic location: 22q13.1.
Variant type: single nucleotide variant.
Coding change: c.1903G>A on transcript NM_020831.6 (MANE Select); coding-DNA position 1903, G replaced by A.
Protein change: p.Glu635Lys; replaces glutamic acid 635 with lysine.
Molecular consequence: missense variant.
Genome position (GRCh38, 1-based): chr22:40,418,835, C>T on the plus strand (G>A on the coding strand, the complement: MRTFA is on the minus strand). VCF-style: chr22-40418835-C-T. GRCh37 (hg19) VCF-style: chr22-40814839-C-T.
Other names: c.1603G>A (NM_020831.4, NM_020831.3); c.1603G>A, p.Glu535Lys (NM_001282660.2); c.1753G>A, p.Glu585Lys (NM_001282661.3); c.1903G>A, p.Glu635Lys (NM_001282662.3); c.1708G>A, p.Glu570Lys (NM_001318139.2); short protein forms E535K, E570K, E585K, E635K.
Identifiers: ClinVar variation 1683020 (VCV001683020.9), dbSNP rs751069863, ClinGen allele CA10249505.
Genomic context (GRCh38, chr22:40,418,835, plus strand): 5'-GCTGCAGCTTGAGCCGCTCCACCAGCTGCTGCTTCTGCCGGAGCATGCGCGTCAGCGCCT[C>T]GATCTGCTTGTCTTTCTCCTGCAGCATCTGGTCCTTGTCGCGCCCCTCTAGCTCCGCCCG-3'
Protein context (NP_065882.2, residues 625-645): QMLQEKDKQI[Glu635Lys]ALTRMLRQKQ